The following is an entry in ClinVar:

NM_015443.4(KANSL1):c.2965C>A (p.Pro989Thr)

Gene: KANSL1 (KAT8 regulatory NSL complex subunit 1). Cytogenetic location: 17q21.31.
Variant type: single nucleotide variant.
Coding change: c.2965C>A on transcript NM_015443.4 (MANE Select); coding-DNA position 2965, C replaced by A.
Protein change: p.Pro989Thr; replaces proline 989 with threonine.
Molecular consequence: missense variant. On other transcripts: intron variant (4).
Genome position (GRCh38, 1-based): chr17:46,032,172, G>T on the plus strand (C>A on the coding strand, the complement: KANSL1 is on the minus strand). VCF-style: chr17-46032172-G-T. GRCh37 (hg19) VCF-style: chr17-44109538-G-T.
Other names: c.2962C>A, p.Pro988Thr (NM_001193465.2, NM_001405856.1, NM_001405857.1 and 1 more transcripts); c.2965C>A, p.Pro989Thr (NM_001193466.2, NM_001379198.1, NM_001405854.1 and 1 more transcripts); c.2863C>A, p.Pro955Thr (NM_001405859.1, NM_001405860.1); c.2860C>A, p.Pro954Thr (NM_001405861.1); c.2776C>A, p.Pro926Thr (NM_001405875.1, NM_001405876.1, NM_001405877.1 and 1 more transcripts); c.2773C>A, p.Pro925Thr (NM_001405879.1, NM_001405880.1); c.1699C>A, p.Pro567Thr (NM_001405882.1); c.1696C>A, p.Pro566Thr (NM_001405883.1); and 4 more; short protein forms P503T, P504T, P566T, P567T, P925T, P926T, P954T, P955T.
Identifiers: ClinVar variation 3338934 (VCV003338934.3).

ClinVar aggregate classification (germline): Uncertain significance. Review status: criteria provided, multiple submitters, no conflicts (2 of 4 stars). 2 submissions from 2 submitters: Uncertain significance (2). Last evaluated 2025-02-26.

Conditions:
Koolen-de Vries syndrome (KDVS). Identifiers: Orphanet 96169, MedGen C1864871, MONDO:0012496, OMIM 610443.

Submissions (2):

Labcorp Genetics (formerly Invitae), Labcorp
Classification: Uncertain significance for Koolen-de Vries syndrome. Last evaluated: 2025-02-26. Review status: criteria provided, single submitter. Criteria: Invitae Variant Classification Sherloc (09022015). Collection method: clinical testing. Allele origin: germline.
Comment: This sequence change replaces proline, which is neutral and non-polar, with threonine, which is neutral and polar, at codon 989 of the KANSL1 protein (p.Pro989Thr). This variant is not present in population databases (gnomAD no frequency). This variant has not been reported in the literature in individuals affected with KANSL1-related conditions. This missense change has been observed in at least one individual who was not affected with KANSL1-related conditions (internal data). ClinVar contains an entry for this variant (Variation ID: 3338934). Invitae Evidence Modeling of protein sequence and biophysical properties (such as structural, functional, and spatial information, amino acid conservation, physicochemical variation, residue mobility, and thermodynamic stability) has been performed for this missense variant. However, the output from this modeling did not meet the statistical confidence thresholds required to predict the impact of this variant on KANSL1 protein function. In summary, the available evidence is currently insufficient to determine the role of this variant in disease. Therefore, it has been classified as a Variant of Uncertain Significance.

Women's Health and Genetics/Laboratory Corporation of America, LabCorp
Classification: Uncertain significance. Last evaluated: 2024-07-11. Review status: criteria provided, single submitter. Criteria: LabCorp Variant Classification Summary - May 2015. Collection method: clinical testing. Allele origin: germline.
Comment: Variant summary: KANSL1 c.2965C>A (p.Pro989Thr) results in a non-conservative amino acid change located in the PEHE domain (IPR029332) of the encoded protein sequence. Four of five in-silico tools predict a damaging effect of the variant on protein function. The variant was absent in 250374 control chromosomes. The available data on variant occurrences in the general population are insufficient to allow any conclusion about variant significance. To our knowledge, no occurrence of c.2965C>A in individuals affected with Koolen-De Vries Syndrome and no experimental evidence demonstrating its impact on protein function have been reported. No submitters have cited clinical-significance assessments for this variant to ClinVar. Based on the evidence outlined above, the variant was classified as uncertain significance.